The following is an entry in ClinVar:

NM_001365536.1(SCN9A):c.839T>C (p.Leu280Pro)

Gene: SCN9A (sodium voltage-gated channel alpha subunit 9; minus strand). Cytogenetic location: 2q24.3.
Variant type: single nucleotide variant.
Coding change: c.839T>C on transcript NM_001365536.1 (MANE Select); coding-DNA position 839, T replaced by C.
Protein change: p.Leu280Pro; replaces leucine 280 with proline.
Molecular consequence: missense variant.
Genome position (GRCh38, 1-based): chr2:166,303,152, A>G on the plus strand (T>C on the coding strand, the complement: SCN9A is on the minus strand). VCF-style: chr2-166303152-A-G. GRCh37 (hg19) VCF-style: chr2-167159662-A-G.
Other names: c.839T>C, p.Leu280Pro (NM_002977.4); short protein forms L280P.
Identifiers: ClinVar variation 3753105 (VCV003753105.2).

ClinVar aggregate classification (germline): Uncertain significance (1 of 4 stars; one submission).

Conditions:
Neuropathy, hereditary sensory and autonomic, type 2A (HSAN2A). Also called: ACROOSTEOLYSIS, GIACCAI TYPE; ACROOSTEOLYSIS, NEUROGENIC; WNK1-Related HSAN2 (HSAN2A); MORVAN DISEASE; NEUROPATHY, CONGENITAL SENSORY; NEUROPATHY, HEREDITARY SENSORY RADICULAR, AUTOSOMAL RECESSIVE. Identifiers: Orphanet 970, MedGen C2752089, MONDO:0024309, OMIM 201300.
Generalized epilepsy with febrile seizures plus, type 7 (GEFSP7). Also called: GEFS+, TYPE 7. Identifiers: Orphanet 36387, MedGen C2751778, MONDO:0013470, OMIM 613863.

Submission:

Labcorp Genetics (formerly Invitae), Labcorp
Classification: Uncertain significance for Neuropathy, hereditary sensory and autonomic, type 2A; Generalized epilepsy with febrile seizures plus, type 7. Last evaluated: 2024-10-05. Review status: criteria provided, single submitter. Criteria: Invitae Variant Classification Sherloc (09022015). Collection method: clinical testing. Allele origin: germline.
Comment: This sequence change replaces leucine, which is neutral and non-polar, with proline, which is neutral and non-polar, at codon 280 of the SCN9A protein (p.Leu280Pro). This variant is not present in population databases (gnomAD no frequency). This variant has not been reported in the literature in individuals affected with SCN9A-related conditions. Invitae Evidence Modeling of protein sequence and biophysical properties (such as structural, functional, and spatial information, amino acid conservation, physicochemical variation, residue mobility, and thermodynamic stability) indicates that this missense variant is not expected to disrupt SCN9A protein function with a negative predictive value of 95%. In summary, the available evidence is currently insufficient to determine the role of this variant in disease. Therefore, it has been classified as a Variant of Uncertain Significance.